The following is an entry in ClinVar:

NM_138383.3(MTSS2):c.2128C>A (p.Pro710Thr)

Gene: MTSS2 (MTSS I-BAR domain containing 2; minus strand). Cytogenetic location: 16q22.1.
Variant type: single nucleotide variant.
Coding change: c.2128C>A on transcript NM_138383.3 (MANE Select); coding-DNA position 2128, C replaced by A.
Protein change: p.Pro710Thr; replaces proline 710 with threonine.
Molecular consequence: missense variant.
Genome position (GRCh38, 1-based): chr16:70,663,793, G>T on the plus strand (C>A on the coding strand, the complement: MTSS2 is on the minus strand). VCF-style: chr16-70663793-G-T. GRCh37 (hg19) VCF-style: chr16-70697696-G-T.
Other names: short protein forms P710T.
Identifiers: ClinVar variation 4872642 (VCV004872642.2).

ClinVar aggregate classification (germline): Likely benign (1 of 4 stars; one submission).

Submission:

CeGaT Center for Human Genetics Tuebingen
Classification: Likely benign. Last evaluated: 2026-04-01. Review status: criteria provided, single submitter. Criteria: CeGaT Center For Human Genetics Tuebingen Variant Classification Criteria Version 2. Collection method: clinical testing. Allele origin: germline. Affected: yes. Observed: 1 variant allele.
Comment: MTSS2: BS2